The following is an entry in ClinVar:

ClinVar aggregate classification (germline): Likely benign. Review status: criteria provided, multiple submitters, no conflicts (2 of 4 stars). 5 submissions from 5 submitters: Likely benign (4). 1 of the submissions does not count toward it. Last evaluated 2025-07-10.

Conditions:
ELANE-related disorder. Also called: ELANE-related condition.
Inborn genetic diseases. Identifiers: MedGen C0950123, MeSH D030342.
Cyclical neutropenia. Also called: Cyclic Neutropenia; Cyclic hematopoiesis. Identifiers: Orphanet 2686, MedGen C0221023, MONDO:0008090, OMIM 162800, HP:0040289. Disease mechanism: loss of function.
Neutropenia, severe congenital, 1, autosomal dominant. Identifiers: MedGen C1859966, MONDO:0042490, OMIM 202700.

Allele frequency attached by ClinVar (database versions not stated): gnomAD exomes 0.00001 and 0.00002; ExAC 0.00003; gnomAD 0.00004 and 0.00006; TOPMed 0.00007.
gnomAD v4.1: 22 of 1,609,960 alleles (0.0014%); highest among the groups gnomAD compares: Middle Eastern, 0.017%; no homozygotes.

Submissions (5):

Labcorp Genetics (formerly Invitae), Labcorp
Classification: Likely benign for Neutropenia, severe congenital, 1, autosomal dominant; Cyclical neutropenia. Last evaluated: 2025-07-10. Review status: criteria provided, single submitter. Criteria: Invitae Variant Classification Sherloc (09022015). Collection method: clinical testing. Allele origin: germline.

Ambry Genetics
Classification: Likely benign for Inborn genetic diseases. Last evaluated: 2024-11-26. Review status: criteria provided, single submitter. Criteria: Ambry Variant Classification Scheme 2023. Collection method: clinical testing. Allele origin: germline.

Blueprint Genetics
Classification: Likely benign. Last evaluated: 2022-06-03. Review status: criteria provided, single submitter. Criteria: ACMG Guidelines, 2015. Collection method: clinical testing. Allele origin: germline.

GeneDx
Classification: Likely benign. Last evaluated: 2018-01-29. Review status: criteria provided, single submitter. Criteria: GeneDx Variant Classification (06012015). Collection method: clinical testing. Allele origin: germline. Affected: yes.
Comment: This variant is considered likely benign or benign based on one or more of the following criteria: it is a conservative change, it occurs at a poorly conserved position in the protein, it is predicted to be benign by multiple in silico algorithms, and/or has population frequency not consistent with disease.

PreventionGenetics, part of Exact Sciences
Classification: Likely benign for ELANE-related condition. Last evaluated: 2019-07-11. Review status: no assertion criteria provided. Collection method: clinical testing. Allele origin: germline. Not counted in ClinVar's aggregate classification.
Comment: This variant is classified as likely benign based on ACMG/AMP sequence variant interpretation guidelines (Richards et al. 2015 PMID: 25741868, with internal and published modifications).

NM_001972.4(ELANE):c.519C>T (p.Asn173=)

Gene: ELANE (elastase, neutrophil expressed; plus strand). Cytogenetic location: 19p13.3.
Variant type: single nucleotide variant.
Coding change: c.519C>T on transcript NM_001972.4 (MANE Select); coding-DNA position 519, C replaced by T.
Protein change: p.Asn173=; no amino-acid change (asparagine 173 retained).
Molecular consequence: synonymous variant.
Genome position (GRCh38, 1-based): chr19:855,716, C>T. VCF-style: chr19-855716-C-T. GRCh37 (hg19) VCF-style: chr19-855716-C-T.
Other names: c.519C>T (NM_001972.3, LRG_57t1).
Identifiers: ClinVar variation 513424 (VCV000513424.54), dbSNP rs200393776, ClinGen allele CA9026083.